The following is an entry in ClinVar:

NM_012431.3(SEMA3E):c.856A>G (p.Thr286Ala)

Gene: SEMA3E (semaphorin 3E; minus strand). Cytogenetic location: 7q21.11.
Variant type: single nucleotide variant.
Coding change: c.856A>G on transcript NM_012431.3 (MANE Select); coding-DNA position 856, A replaced by G.
Protein change: p.Thr286Ala; replaces threonine 286 with alanine.
Molecular consequence: missense variant.
Genome position (GRCh38, 1-based): chr7:83,406,017, T>C on the plus strand (A>G on the coding strand, the complement: SEMA3E is on the minus strand). VCF-style: chr7-83406017-T-C. GRCh37 (hg19) VCF-style: chr7-83035333-T-C.
Other names: c.676A>G, p.Thr226Ala (NM_001178129.2); short protein forms T226A, T286A.
Identifiers: ClinVar variation 3691313 (VCV003691313.2).

ClinVar aggregate classification (germline): Uncertain significance (1 of 4 stars; one submission).

Conditions:
CHARGE syndrome (CHARGE). Also called: Hittner Hirsch Kreh syndrome; CHARGE ASSOCIATION--COLOBOMA, HEART ANOMALY, CHOANAL ATRESIA, RETARDATION, GENITAL AND EAR ANOMALIES; Coloboma, heart anomaly, choanal atresia, retardation, genital and ear anomalies; CHARGE association; Hall-Hittner syndrome. Identifiers: Orphanet 138, MedGen C0265354, MONDO:0008965.

Submission:

Labcorp Genetics (formerly Invitae), Labcorp
Classification: Uncertain significance for CHARGE syndrome. Last evaluated: 2024-07-01. Review status: criteria provided, single submitter. Criteria: Invitae Variant Classification Sherloc (09022015). Collection method: clinical testing. Allele origin: germline.
Comment: This sequence change replaces threonine, which is neutral and polar, with alanine, which is neutral and non-polar, at codon 286 of the SEMA3E protein (p.Thr286Ala). This variant is not present in population databases (gnomAD no frequency). This variant has not been reported in the literature in individuals affected with SEMA3E-related conditions. Advanced modeling of protein sequence and biophysical properties (such as structural, functional, and spatial information, amino acid conservation, physicochemical variation, residue mobility, and thermodynamic stability) performed at Invitae indicates that this missense variant is expected to disrupt SEMA3E protein function with a positive predictive value of 80%. In summary, the available evidence is currently insufficient to determine the role of this variant in disease. Therefore, it has been classified as a Variant of Uncertain Significance.